The following is an entry in ClinVar:

ClinVar aggregate classification (germline): Uncertain significance (0 of 4 stars; one submission).

Conditions:
SLIT2-related disorder. Also called: SLIT2-related condition.

Submission:

PreventionGenetics, part of Exact Sciences
Classification: Uncertain significance for SLIT2-related condition. Last evaluated: 2024-06-22. Review status: no assertion criteria provided. Collection method: clinical testing. Allele origin: germline.
Comment: The SLIT2 c.3852G>T variant is predicted to result in the amino acid substitution p.Met1284Ile. To our knowledge, this variant has not been reported in the literature. This variant is reported in 0.0018% of alleles in individuals of European (Non-Finnish) descent in gnomAD. At this time, the clinical significance of this variant is uncertain due to the absence of conclusive functional and genetic evidence.

NM_004787.4(SLIT2):c.3852G>T (p.Met1284Ile)

Gene: SLIT2 (slit guidance ligand 2; plus strand). Cytogenetic location: 4p15.31.
Variant type: single nucleotide variant.
Coding change: c.3852G>T on transcript NM_004787.4 (MANE Select); coding-DNA position 3852, G replaced by T.
Protein change: p.Met1284Ile; replaces methionine 1284 with isoleucine.
Molecular consequence: missense variant.
Genome position (GRCh38, 1-based): chr4:20,616,914, G>T. VCF-style: chr4-20616914-G-T. GRCh37 (hg19) VCF-style: chr4-20618537-G-T.
Other names: c.3840G>T, p.Met1280Ile (NM_001289135.3); c.3828G>T, p.Met1276Ile (NM_001289136.3); short protein forms M1276I, M1280I, M1284I.
Identifiers: ClinVar variation 3355957 (VCV003355957.1).